The following is an entry in ClinVar:

NM_000535.7(PMS2):c.794A>G (p.Asn265Ser)

Gene: PMS2 (PMS1 homolog 2, mismatch repair system component; minus strand). Cytogenetic location: 7p22.1.
Variant type: single nucleotide variant.
Coding change: c.794A>G on transcript NM_000535.7 (MANE Select); coding-DNA position 794, A replaced by G.
Protein change: p.Asn265Ser; replaces asparagine 265 with serine.
Molecular consequence: missense variant. On other transcripts: 5 prime UTR variant (2), non-coding transcript variant (1).
Genome position (GRCh38, 1-based): chr7:5,997,335, T>C on the plus strand (A>G on the coding strand, the complement: PMS2 is on the minus strand). VCF-style: chr7-5997335-T-C. GRCh37 (hg19) VCF-style: chr7-6036966-T-C.
Other names: c.389A>G, p.Asn130Ser (NM_001322003.2, NM_001322004.2, NM_001322005.2 and 2 more transcripts); c.794A>G, p.Asn265Ser (NM_001322006.2, NM_001322014.2); c.476A>G, p.Asn159Ser (NM_001322007.2, NM_001322008.2); c.-140A>G (NM_001322011.2, NM_001322012.2); c.221A>G, p.Asn74Ser (NM_001322013.2); c.485A>G, p.Asn162Ser (NM_001322015.2); short protein forms N159S, N130S, N162S, N265S, N74S.
Identifiers: ClinVar variation 827350 (VCV000827350.8), dbSNP rs754164213, ClinGen allele CA051659.

ClinVar aggregate classification (germline): Uncertain significance. Review status: criteria provided, multiple submitters, no conflicts (2 of 4 stars). 2 submissions from 2 submitters: Uncertain significance (2). Last evaluated 2025-11-09.

Conditions:
Hereditary nonpolyposis colorectal neoplasms. Identifiers: MedGen C0009405, MeSH D003123.
Hereditary cancer-predisposing syndrome. Also called: Neoplastic Syndromes, Hereditary; Tumor predisposition; Hereditary neoplastic syndrome; Hereditary Cancer Syndrome. Identifiers: Orphanet 140162, MedGen C0027672, MeSH D009386, MONDO:0015356.

Allele frequency attached by ClinVar (database versions not stated): gnomAD exomes below 0.00001; TOPMed below 0.00001; ExAC 0.00001; gnomAD 0.00001.
gnomAD v4.1: 2 of 1,531,116 alleles (0.00013%); highest among the groups gnomAD compares: African/African-American, 0.0014%; no homozygotes.

Submissions (2):

Labcorp Genetics (formerly Invitae), Labcorp
Classification: Uncertain significance for Hereditary nonpolyposis colorectal neoplasms. Last evaluated: 2025-11-09. Review status: criteria provided, single submitter. Criteria: Invitae Variant Classification Sherloc (09022015). Collection method: clinical testing. Allele origin: germline.
Comment: This sequence change replaces asparagine, which is neutral and polar, with serine, which is neutral and polar, at codon 265 of the PMS2 protein (p.Asn265Ser). This variant is present in population databases (rs754164213, gnomAD 0.007%). This variant has not been reported in the literature in individuals affected with PMS2-related conditions. ClinVar contains an entry for this variant (Variation ID: 827350). Invitae Evidence Modeling incorporating data from in vitro experimental studies (internal data) indicates that this missense variant is not expected to disrupt PMS2 function with a negative predictive value of 95%. In summary, the available evidence is currently insufficient to determine the role of this variant in disease. Therefore, it has been classified as a Variant of Uncertain Significance.

Ambry Genetics
Classification: Uncertain significance for Hereditary cancer-predisposing syndrome. Last evaluated: 2023-04-27. Review status: criteria provided, single submitter. Criteria: Ambry Variant Classification Scheme 2023. Collection method: clinical testing. Allele origin: germline.
Comment: The p.N265S variant (also known as c.794A>G), located in coding exon 7 of the PMS2 gene, results from an A to G substitution at nucleotide position 794. The asparagine at codon 265 is replaced by serine, an amino acid with highly similar properties. This amino acid position is not well conserved in available vertebrate species. In addition, this alteration is predicted to be tolerated by in silico analysis. Since supporting evidence is limited at this time, the clinical significance of this alteration remains unclear.